The following is an entry in ClinVar:

ClinVar aggregate classification (germline): Uncertain significance (1 of 4 stars; one submission).

Conditions:
Gorlin syndrome. Also called: Nevoid Basal Cell Carcinoma Syndrome; Basal cell nevus syndrome. Identifiers: Orphanet 377, MedGen C0004779, MONDO:0007187.

Submission:

Labcorp Genetics (formerly Invitae), Labcorp
Classification: Uncertain significance for Gorlin syndrome. Last evaluated: 2023-09-29. Review status: criteria provided, single submitter. Criteria: Invitae Variant Classification Sherloc (09022015). Collection method: clinical testing. Allele origin: germline.
Comment: This sequence change replaces leucine, which is neutral and non-polar, with valine, which is neutral and non-polar, at codon 952 of the PTCH2 protein (p.Leu952Val). In summary, the available evidence is currently insufficient to determine the role of this variant in disease. Therefore, it has been classified as a Variant of Uncertain Significance. Advanced modeling of protein sequence and biophysical properties (such as structural, functional, and spatial information, amino acid conservation, physicochemical variation, residue mobility, and thermodynamic stability) performed at Invitae indicates that this missense variant is not expected to disrupt PTCH2 protein function. This variant has not been reported in the literature in individuals affected with PTCH2-related conditions. This variant is not present in population databases (gnomAD no frequency).

NM_003738.5(PTCH2):c.2854C>G (p.Leu952Val)

Gene: PTCH2 (patched 2; minus strand). Cytogenetic location: 1p34.1.
Variant type: single nucleotide variant.
Coding change: c.2854C>G on transcript NM_003738.5 (MANE Select); coding-DNA position 2854, C replaced by G.
Protein change: p.Leu952Val; replaces leucine 952 with valine.
Molecular consequence: missense variant.
Genome position (GRCh38, 1-based): chr1:44,826,610, G>C on the plus strand (C>G on the coding strand, the complement: PTCH2 is on the minus strand). VCF-style: chr1-44826610-G-C. GRCh37 (hg19) VCF-style: chr1-45292282-G-C.
Other names: c.2854C>G, p.Leu952Val (NM_001166292.2); short protein forms L952V.
Identifiers: ClinVar variation 2809829 (VCV002809829.3), dbSNP rs1653156971, ClinGen allele CA340109393.